The following is an entry in ClinVar:

NM_007215.4(POLG2):c.-81T>C

Genes: POLG2 (DNA polymerase gamma 2, accessory subunit; minus strand), MILR1 (mast cell immunoglobulin like receptor 1; plus strand). Cytogenetic location: 17q23.3.
Variant type: single nucleotide variant.
Coding change: c.-81T>C on transcript NM_007215.4 (MANE Select); 81 bases upstream of the start codon, T replaced by C.
Molecular consequence: 5 prime UTR variant.
Genome position (GRCh38, 1-based): chr17:64,497,049, A>G on the plus strand (T>C on the coding strand, the complement: POLG2 is on the minus strand). VCF-style: chr17-64497049-A-G. GRCh37 (hg19) VCF-style: chr17-62493167-A-G.
Identifiers: ClinVar variation 324564 (VCV000324564.7), dbSNP rs9897606, ClinGen allele CA10646504.

ClinVar aggregate classification (germline): Benign. Review status: criteria provided, multiple submitters, no conflicts (2 of 4 stars). 3 submissions from 3 submitters: Benign (3). Last evaluated 2018-06-16.

Conditions:
Progressive external ophthalmoplegia with mitochondrial DNA deletions, autosomal dominant 4. Also called: PROGRESSIVE EXTERNAL OPHTHALMOPLEGIA, AUTOSOMAL DOMINANT 4. Identifiers: MedGen C1864668, MONDO:0012415, OMIM 610131.

Allele frequency attached by ClinVar (database versions not stated): gnomAD 0.28072 and 0.29384; 1000 Genomes Project 0.28994; TOPMed 0.30553; 1000 Genomes Project 30x 0.30621.
gnomAD v4.1: 184,926 of 1,414,468 alleles (13%); highest among the groups gnomAD compares: African/African-American, 71%; 26,358 homozygotes.

Submissions (3):

GeneDx
Classification: Benign. Last evaluated: 2018-06-16. Review status: criteria provided, single submitter. Criteria: GeneDx Variant Classification (06012015). Collection method: clinical testing. Allele origin: germline. Affected: yes.
Comment: This variant is considered likely benign or benign based on one or more of the following criteria: it is a conservative change, it occurs at a poorly conserved position in the protein, it is predicted to be benign by multiple in silico algorithms, and/or has population frequency not consistent with disease.

Illumina Laboratory Services, Illumina
Classification: Benign for Progressive external ophthalmoplegia with mitochondrial DNA deletions, autosomal dominant 4. Last evaluated: 2018-01-12. Review status: criteria provided, single submitter. Criteria: ICSL Variant Classification Criteria 13 December 2019. Collection method: clinical testing. Allele origin: germline.
Comment: This variant was observed in the ICSL laboratory as part of a predisposition screen in an ostensibly healthy population. It had not been previously curated by ICSL or reported in the Human Gene Mutation Database (HGMD: prior to June 1st, 2018), and was therefore a candidate for classification through an automated scoring system. Utilizing variant allele frequency, disease prevalence and penetrance estimates, and inheritance mode, an automated score was calculated to assess if this variant is too frequent to cause the disease. Based on the score and internal cut-off values, a variant classified as benign is not then subjected to further curation. The score for this variant resulted in a classification of benign for this disease.

Breakthrough Genomics
Classification: Benign. Review status: criteria provided, single submitter. Criteria: ACMG Guidelines, 2015. Collection method: not provided. Allele origin: germline. Inheritance: Autosomal recessive inheritance. Affected: yes.